The following is an entry in ClinVar:

NM_002617.4(PEX10):c.209G>A (p.Gly70Glu)

Gene: PEX10 (peroxisomal biogenesis factor 10; minus strand). Cytogenetic location: 1p36.32.
Variant type: single nucleotide variant.
Coding change: c.209G>A on transcript NM_002617.4 (MANE Select); coding-DNA position 209, G replaced by A.
Protein change: p.Gly70Glu; replaces glycine 70 with glutamic acid.
Molecular consequence: missense variant. On other transcripts: 5 prime UTR variant (2), non-coding transcript variant (1).
Genome position (GRCh38, 1-based): chr1:2,408,843, C>T on the plus strand (G>A on the coding strand, the complement: PEX10 is on the minus strand). VCF-style: chr1-2408843-C-T. GRCh37 (hg19) VCF-style: chr1-2340282-C-T.
Other names: c.209G>A, p.Gly70Glu (NM_001374425.1, NM_153818.2); c.-224G>A (NM_001374426.1, NM_001374427.1); short protein forms G70E.
Identifiers: ClinVar variation 3382522 (VCV003382522.2).

ClinVar aggregate classification (germline): Pathogenic (1 of 4 stars; one submission).

Conditions:
Peroxisome biogenesis disorder 6A (Zellweger). Also called: Peroxisome biogenesis disorder 6A. Identifiers: Orphanet 912, MedGen C3553947, MONDO:0013936, OMIM 614870.
Peroxisome biogenesis disorder 6B (PBD6B). Identifiers: Orphanet 44, MedGen C3553948, MONDO:0013937, OMIM 614871.

Submission:

Juno Genomics, Hangzhou Juno Genomics, Inc
Classification: Pathogenic for Peroxisome biogenesis disorder 6A (Zellweger); Peroxisome biogenesis disorder 6B. Review status: criteria provided, single submitter. Criteria: ACMG Guidelines, 2015. Collection method: clinical testing. Allele origin: germline. Affected: yes.
Comment: Absent from controls (or at extremely low frequency if recessive) in Genome Aggregation Database, Exome Sequencing Project, 1000 Genomes Project, or Exome Aggregation Consortium.;Multiple lines of computational evidence support a deleterious effect on the gene or gene product (conservation, evolutionary, splicing impact, etc).;For recessive disorders, detected in trans with a pathogenic variant.;Patient's phenotype or family history is highly specific for a disease with a single genetic etiology.